The following is an entry in ClinVar:

ClinVar aggregate classification (germline): Uncertain significance (1 of 4 stars; one submission).

Conditions:
Cardiovascular phenotype. Identifiers: MedGen CN230736.

gnomAD v4.1: 1 of 1,614,130 alleles (0.000062%); highest among the groups gnomAD compares: Non-Finnish European, 0.000085%; no homozygotes.

Submission:

Ambry Genetics
Classification: Uncertain significance for Cardiovascular phenotype. Last evaluated: 2022-03-16. Review status: criteria provided, single submitter. Criteria: Ambry Variant Classification Scheme 2023. Collection method: clinical testing. Allele origin: germline.
Comment: The p.C396S variant (also known as c.1187G>C), located in coding exon 12 of the CACNB2 gene, results from a G to C substitution at nucleotide position 1187. The cysteine at codon 396 is replaced by serine, an amino acid with dissimilar properties. This amino acid position is conserved. In addition, this alteration is predicted to be deleterious by in silico analysis. Since supporting evidence is limited at this time, the clinical significance of this alteration remains unclear.

NM_201596.3(CACNB2):c.1349G>C (p.Cys450Ser)

Gene: CACNB2 (calcium voltage-gated channel auxiliary subunit beta 2; plus strand). Cytogenetic location: 10p12.31.
Variant type: single nucleotide variant.
Coding change: c.1349G>C on transcript NM_201596.3 (MANE Select); coding-DNA position 1349, G replaced by C.
Protein change: p.Cys450Ser; replaces cysteine 450 with serine.
Molecular consequence: missense variant.
Genome position (GRCh38, 1-based): chr10:18,538,226, G>C. VCF-style: chr10-18538226-G-C. GRCh37 (hg19) VCF-style: chr10-18827155-G-C.
Other names: c.1184G>C, p.Cys395Ser (NM_000724.4); c.1151G>C, p.Cys384Ser (NM_001167945.2); c.1070G>C, p.Cys357Ser (NM_001330060.2); c.1091G>C, p.Cys364Ser (NM_001410882.1); c.1205G>C, p.Cys402Ser (NM_201570.3); c.1265G>C, p.Cys422Ser (NM_201571.4); c.1193G>C, p.Cys398Ser (NM_201572.4); c.1187G>C, p.Cys396Ser (NM_201590.3); and 2 more; short protein forms C364S, C402S, C398S, C422S, C426S, C395S, C412S, C357S.
Identifiers: ClinVar variation 1743799 (VCV001743799.2), dbSNP rs2494876493, ClinGen allele CA376070191.